The following is an entry in ClinVar:

ClinVar aggregate classification (germline): Uncertain significance (1 of 4 stars; one submission).

Submission:

Labcorp Genetics (formerly Invitae), Labcorp
Classification: Uncertain significance. Last evaluated: 2024-05-10. Review status: criteria provided, single submitter. Criteria: Invitae Variant Classification Sherloc (09022015). Collection method: clinical testing. Allele origin: germline.
Comment: This sequence change replaces serine, which is neutral and polar, with alanine, which is neutral and non-polar, at codon 2688 of the TRRAP protein (p.Ser2688Ala). This variant is not present in population databases (gnomAD no frequency). This variant has not been reported in the literature in individuals affected with TRRAP-related conditions. Advanced modeling of protein sequence and biophysical properties (such as structural, functional, and spatial information, amino acid conservation, physicochemical variation, residue mobility, and thermodynamic stability) performed at Invitae indicates that this missense variant is not expected to disrupt TRRAP protein function with a negative predictive value of 80%. In summary, the available evidence is currently insufficient to determine the role of this variant in disease. Therefore, it has been classified as a Variant of Uncertain Significance.

NM_001375524.1(TRRAP):c.8137T>G (p.Ser2713Ala)

Gene: TRRAP (transformation/transcription domain associated protein; plus strand). Cytogenetic location: 7q22.1.
Variant type: single nucleotide variant.
Coding change: c.8137T>G on transcript NM_001375524.1 (MANE Select); coding-DNA position 8137, T replaced by G.
Protein change: p.Ser2713Ala; replaces serine 2713 with alanine.
Molecular consequence: missense variant.
Genome position (GRCh38, 1-based): chr7:98,976,660, T>G. VCF-style: chr7-98976660-T-G. GRCh37 (hg19) VCF-style: chr7-98574283-T-G.
Other names: c.8116T>G, p.Ser2706Ala (NM_001244580.2); c.8062T>G, p.Ser2688Ala (NM_003496.4); short protein forms S2706A, S2713A, S2688A.
Identifiers: ClinVar variation 3652886 (VCV003652886.2).
Genomic context (GRCh38, chr7:98,976,660, plus strand): 5'-ATCCCCATCCGACCCTGCGTCCTGAAGTACCTGGGGAAGACACACAACCTCTGGTTCCGG[T>G]CCACGCTGATGTTGGAGCACCAGGCTTTTGAAAAGGGTCTGAGTCTTCAGATTAAGCCGA-3'
Protein context (NP_001362453.1, residues 2703-2723): LGKTHNLWFR[Ser2713Ala]TLMLEHQAFE